The following is an entry in ClinVar:

NM_001009944.3(PKD1):c.12236C>T (p.Ser4079Phe)

Gene: PKD1 (polycystin 1, transient receptor potential channel interacting; minus strand). Cytogenetic location: 16p13.3.
Variant type: single nucleotide variant.
Coding change: c.12236C>T on transcript NM_001009944.3 (MANE Select); coding-DNA position 12236, C replaced by T.
Protein change: p.Ser4079Phe; replaces serine 4079 with phenylalanine.
Molecular consequence: missense variant.
Genome position (GRCh38, 1-based): chr16:2,090,493, G>A on the plus strand (C>T on the coding strand, the complement: PKD1 is on the minus strand). VCF-style: chr16-2090493-G-A. GRCh37 (hg19) VCF-style: chr16-2140494-G-A.
Other names: c.12233C>T, p.Ser4078Phe (NM_000296.4); short protein forms S4078F, S4079F.
Identifiers: ClinVar variation 1704764 (VCV001704764.2), dbSNP rs1224705217, ClinGen allele CA394326138.

ClinVar aggregate classification (germline): Uncertain significance (1 of 4 stars; one submission).

Allele frequency attached by ClinVar (database versions not stated): gnomAD 0.00001; TOPMed 0.00001.
gnomAD v4.1: 17 of 1,611,606 alleles (0.0011%); highest among the groups gnomAD compares: South Asian, 0.0066%; no homozygotes.

Submission:

GeneDx
Classification: Uncertain significance. Last evaluated: 2022-03-08. Review status: criteria provided, single submitter. Criteria: GeneDx Variant Classification Process June 2021. Collection method: clinical testing. Allele origin: germline. Affected: yes.
Comment: In silico analysis supports that this missense variant does not alter protein structure/function; Has not been previously published as pathogenic or benign to our knowledge